The following is an entry in ClinVar:

ClinVar aggregate classification (germline): Pathogenic/Likely pathogenic. Review status: criteria provided, multiple submitters, no conflicts (2 of 4 stars). 3 submissions from 3 submitters: Pathogenic (2); Likely pathogenic (1). Last evaluated 2025-09-16.

Conditions:
LAMA2-related muscular dystrophy (LAMA2-RD). Also called: Laminin alpha 2-related dystrophy. Identifiers: MedGen C5679788, MONDO:0100228.
Merosin deficient congenital muscular dystrophy (MDC1A). Also called: Congenital merosin-deficient muscular dystrophy 1A; Congenital Muscular Dystrophy Type 1A (MDC1A). Identifiers: Orphanet 258, MedGen C1263858, MONDO:0011925, OMIM 607855.

Submissions (3):

Myriad Genetics, Inc.
Classification: Pathogenic for LAMA2-related muscular dystrophy. Last evaluated: 2025-09-16. Review status: criteria provided, single submitter. Criteria: Myriad Autosomal Dominant, Autosomal Recessive and X-Linked Classification Criteria (2023). Collection method: clinical testing. Allele origin: unknown.
Comment: NM_000426.3(LAMA2):c.1852G>T(E618*) is expected to be pathogenic in the context of muscular dystrophy, LAMA2-related. This variant is predicted to lead to an abnormal or absent protein product due to the creation of a premature termination codon in LAMA2, a gene where loss-of-function variants are known to be pathogenic. Please note: this variant was assessed in the context of healthy population screening.

Baylor Genetics
Classification: Likely pathogenic for Merosin deficient congenital muscular dystrophy. Last evaluated: 2023-02-11. Review status: criteria provided, single submitter. Criteria: ACMG Guidelines, 2015. Collection method: clinical testing. Allele origin: unknown.

Labcorp Genetics (formerly Invitae), Labcorp
Classification: Pathogenic for LAMA2-related muscular dystrophy. Last evaluated: 2020-04-28. Review status: criteria provided, single submitter. Criteria: Invitae Variant Classification Sherloc (09022015). Collection method: clinical testing. Allele origin: germline.
Comment: For these reasons, this variant has been classified as Pathogenic. Loss-of-function variants in LAMA2 are known to be pathogenic (PMID: 18700894). This variant has not been reported in the literature in individuals with LAMA2-related conditions. This variant is not present in population databases (ExAC no frequency). This sequence change creates a premature translational stop signal (p.Glu618*) in the LAMA2 gene. It is expected to result in an absent or disrupted protein product.

Literature cited by the submitters: PubMed 18700894 (cited by Labcorp Genetics (formerly Invitae), Labcorp).

NM_000426.4(LAMA2):c.1852G>T (p.Glu618Ter)

Gene: LAMA2 (laminin subunit alpha 2; plus strand). Cytogenetic location: 6q22.33.
Variant type: single nucleotide variant.
Coding change: c.1852G>T on transcript NM_000426.4 (MANE Select); coding-DNA position 1852, G replaced by T.
Protein change: p.Glu618Ter; replaces glutamic acid 618 with a stop codon.
Molecular consequence: nonsense.
Genome position (GRCh38, 1-based): chr6:129,250,181, G>T. VCF-style: chr6-129250181-G-T. GRCh37 (hg19) VCF-style: chr6-129571326-G-T.
Other names: c.1852G>T, p.Glu618Ter (NM_001079823.2); short protein forms E618*.
Identifiers: ClinVar variation 1076694 (VCV001076694.9), dbSNP rs1786070922, ClinGen allele CA365609615.
Genomic context (GRCh38, chr6:129,250,181, plus strand): 5'-GTAGGAGGACAGTTGACATTTACCATATCATATGACCTTGAAGAAGAGGAAGAAGATACA[G>T]AACGTGTTCTCCAGCTTATGATTATCTTAGAGGTAGAGTACTGAGAGCATGTTCACCCGT-3'